The following is an entry in ClinVar:

NM_001042702.5(PJVK):c.934T>A (p.Cys312Ser)

Gene: PJVK (pejvakin; plus strand). Cytogenetic location: 2q31.2.
Variant type: single nucleotide variant.
Coding change: c.934T>A on transcript NM_001042702.5 (MANE Select); coding-DNA position 934, T replaced by A.
Protein change: p.Cys312Ser; replaces cysteine 312 with serine.
Molecular consequence: missense variant.
Genome position (GRCh38, 1-based): chr2:178,461,149, T>A. VCF-style: chr2-178461149-T-A. GRCh37 (hg19) VCF-style: chr2-179325876-T-A.
Other names: c.943T>A, p.Cys315Ser (NM_001353775.2); c.940T>A, p.Cys314Ser (NM_001353776.2); c.457T>A, p.Cys153Ser (NM_001353777.1, NM_001353778.2); c.934T>A, p.Cys312Ser (NM_001369912.1); short protein forms C153S, C312S, C314S, C315S.
Identifiers: ClinVar variation 5037477 (VCV005037477.1).

ClinVar aggregate classification (germline): Uncertain significance (1 of 4 stars; one submission).

gnomAD v4.1: 1 of 1,614,208 alleles (0.000062%); highest among the groups gnomAD compares: East Asian, 0.0022%; no homozygotes.

Submission:

GeneDx
Classification: Uncertain significance. Last evaluated: 2026-04-23. Review status: criteria provided, single submitter. Criteria: GeneDx Variant Classification Process June 2021. Collection method: clinical testing. Allele origin: germline.
Comment: Not observed at significant frequency in large population cohorts (gnomAD); In silico analysis suggests that this missense variant does not alter protein structure/function; Has not been previously published as pathogenic or benign to our knowledge